The following is an entry in ClinVar:

NM_002473.6(MYH9):c.3345A>G (p.Glu1115=)

Gene: MYH9 (myosin heavy chain 9; minus strand). Cytogenetic location: 22q12.3.
Variant type: single nucleotide variant.
Coding change: c.3345A>G on transcript NM_002473.6 (MANE Select); coding-DNA position 3345, A replaced by G.
Protein change: p.Glu1115=; no amino-acid change (glutamic acid 1115 retained).
Molecular consequence: synonymous variant.
Genome position (GRCh38, 1-based): chr22:36,295,645, T>C on the plus strand (A>G on the coding strand, the complement: MYH9 is on the minus strand). VCF-style: chr22-36295645-T-C. GRCh37 (hg19) VCF-style: chr22-36691691-T-C.
Other names: p.Glu1115=.
Identifiers: ClinVar variation 44558 (VCV000044558.24), dbSNP rs875725, ClinGen allele CA134526.

ClinVar aggregate classification (germline): Benign/Likely benign. Review status: criteria provided, multiple submitters, no conflicts (2 of 4 stars). 12 submissions from 11 submitters: Benign (11); Likely benign (1). Last evaluated 2026-02-02.

Conditions:
MYH9-related disorder. Identifiers: MedGen C1854520.
Atypical hemolytic-uremic syndrome. Identifiers: Orphanet 2134, MedGen C2931788, MONDO:0016244.
Autosomal dominant nonsyndromic hearing loss 17. Also called: Deafness, autosomal dominant 17; Autosomal dominant nonsyndromic deafness 17. Identifiers: Orphanet 90635, MedGen C1863659, MONDO:0011350, OMIM 603622.

Allele frequency attached by ClinVar (database versions not stated): gnomAD exomes 0.01417 and 0.01677; ExAC 0.01751; 1000 Genomes Project 0.02556; 1000 Genomes Project 30x 0.02655; gnomAD 0.03121 and 0.03292; TOPMed 0.03287; ESP Exome Variant Server 0.03475.
gnomAD v4.1: 25,733 of 1,613,868 alleles (1.6%); highest among the groups gnomAD compares: Middle Eastern, 7.8%; 404 homozygotes.

Submissions (12):

Labcorp Genetics (formerly Invitae), Labcorp
Classification: Benign. Last evaluated: 2026-02-02. Review status: criteria provided, single submitter. Criteria: Invitae Variant Classification Sherloc (09022015). Collection method: clinical testing. Allele origin: germline.

ARUP Laboratories, Molecular Genetics and Genomics, ARUP Laboratories
Classification: Benign. Last evaluated: 2024-12-23. Review status: criteria provided, single submitter. Criteria: ARUP Molecular Germline Variant Investigation Process 2024. Collection method: clinical testing. Allele origin: germline.

Blueprint Genetics
Classification: Likely benign. Last evaluated: 2024-11-26. Review status: criteria provided, single submitter. Criteria: ACMG Guidelines, 2015. Collection method: clinical testing. Allele origin: germline.

Mayo Clinic Laboratories, Mayo Clinic
Classification: Benign. Last evaluated: 2022-09-29. Review status: criteria provided, single submitter. Criteria: ACMG Guidelines, 2015. Collection method: clinical testing. Allele origin: germline. Observed: 43 variant alleles.

Genome Diagnostics Laboratory, The Hospital for Sick Children
Classification: Benign for Atypical hemolytic-uremic syndrome. Last evaluated: 2022-08-06. Review status: criteria provided, single submitter. Criteria: ACMG Guidelines, 2015. Collection method: clinical testing. Allele origin: germline.

Athena Diagnostics
Classification: Benign. Last evaluated: 2019-02-15. Review status: criteria provided, single submitter. Criteria: Athena Diagnostics Criteria. Collection method: clinical testing. Allele origin: germline.

Illumina Laboratory Services, Illumina
Classification: Benign for MYH9-related disorder. Last evaluated: 2018-01-12. Review status: criteria provided, single submitter. Criteria: ICSL Variant Classification Criteria 13 December 2019. Collection method: clinical testing. Allele origin: germline.
Comment: This variant was observed in the ICSL laboratory as part of a predisposition screen in an ostensibly healthy population. It had not been previously curated by ICSL or reported in the Human Gene Mutation Database (HGMD: prior to June 1st, 2018), and was therefore a candidate for classification through an automated scoring system. Utilizing variant allele frequency, disease prevalence and penetrance estimates, and inheritance mode, an automated score was calculated to assess if this variant is too frequent to cause the disease. Based on the score and internal cut-off values, a variant classified as benign is not then subjected to further curation. The score for this variant resulted in a classification of benign for this disease.

Illumina Laboratory Services, Illumina
Classification: Benign for Autosomal dominant nonsyndromic hearing loss 17. Last evaluated: 2018-01-12. Review status: criteria provided, single submitter. Criteria: ICSL Variant Classification Criteria 13 December 2019. Collection method: clinical testing. Allele origin: germline.
Comment: the same text as in the submission from Illumina Laboratory Services, Illumina above.

GeneDx
Classification: Benign. Last evaluated: 2017-05-09. Review status: criteria provided, single submitter. Criteria: GeneDx Variant Classification (06012015). Collection method: clinical testing. Allele origin: germline. Affected: yes.
Comment: This variant is considered likely benign or benign based on one or more of the following criteria: it is a conservative change, it occurs at a poorly conserved position in the protein, it is predicted to be benign by multiple in silico algorithms, and/or has population frequency not consistent with disease.

Laboratory for Molecular Medicine, Mass General Brigham Personalized Medicine
Classification: Benign. Last evaluated: 2012-05-07. Review status: criteria provided, single submitter. Criteria: LMM Criteria. Collection method: clinical testing. Allele origin: germline. Observed: 85 variant alleles.
Comment: "Glu1115Glu in Exon 26 of MYH9: This variant is not expected to have clinical si gnificance because it does not alter an amino acid residue, is not located withi n the splice consensus sequence, and has been identified in 7.7% (287/3734) of A frican American chromosomes from a broad population by the NHLBI Exome Sequencin g Project (dbSNP rs875725)."

Breakthrough Genomics
Classification: Benign. Review status: criteria provided, single submitter. Criteria: ACMG Guidelines, 2015. Collection method: not provided. Allele origin: germline. Inheritance: Autosomal dominant inheritance. Affected: yes.

PreventionGenetics, part of Exact Sciences
Classification: Benign. Review status: criteria provided, single submitter. Criteria: ACMG Guidelines, 2015. Collection method: clinical testing. Allele origin: germline.